The following is an entry in ClinVar:

NM_004766.3(COPB2):c.1912T>A (p.Ser638Thr)

Gene: COPB2 (coat protein complex I subunit beta 2; minus strand). Cytogenetic location: 3q23.
Variant type: single nucleotide variant.
Coding change: c.1912T>A on transcript NM_004766.3 (MANE Select); coding-DNA position 1912, T replaced by A.
Protein change: p.Ser638Thr; replaces serine 638 with threonine.
Molecular consequence: missense variant. On other transcripts: non-coding transcript variant (1).
Genome position (GRCh38, 1-based): chr3:139,362,490, A>T on the plus strand (T>A on the coding strand, the complement: COPB2 is on the minus strand). VCF-style: chr3-139362490-A-T. GRCh37 (hg19) VCF-style: chr3-139081332-A-T.
Other names: c.1825T>A, p.Ser609Thr (NM_001410834.1); short protein forms S609T, S638T.
Identifiers: ClinVar variation 4084418 (VCV004084418.8).

ClinVar aggregate classification (germline): Uncertain significance (1 of 4 stars; one submission).

Submission:

CeGaT Center for Human Genetics Tuebingen
Classification: Uncertain significance. Last evaluated: 2025-07-01. Review status: criteria provided, single submitter. Criteria: CeGaT Center For Human Genetics Tuebingen Variant Classification Criteria Version 2. Collection method: clinical testing. Allele origin: germline. Affected: yes. Observed: 1 variant allele.
Comment: COPB2: PM2